The following is an entry in ClinVar:

NM_015046.7(SETX):c.6931_6933del (p.Asn2311del)

Gene: SETX (senataxin; minus strand). Cytogenetic location: 9q34.13.
Variant type: Deletion.
Coding change: c.6931_6933del on transcript NM_015046.7 (MANE Select); coding-DNA positions 6931 to 6933, 3 bases deleted (AAT; older notation c.6931_6933delAAT).
Protein change: p.Asn2311del; deletes asparagine 2311.
Molecular consequence: inframe deletion. On other transcripts: inframe indel (1).
Genome position (GRCh38, 1-based): chr9:132,277,062-132,277,064, ATT deleted on the plus strand (AAT on the coding strand, the reverse complement: SETX is on the minus strand); deleting any 3 consecutive bases within chr9:132,277,062-132,277,066 gives the same sequence; the c. name uses the placement nearest the transcript's 3' end. VCF-style (leftmost placement, unchanged base first): chr9-132277061-CATT-C. GRCh37 (hg19) VCF-style: chr9-135152448-CATT-C.
Other names: c.6931_6933del, p.Asn2311del (NM_001351527.2, NM_001351528.2); c.6931_6933delAAT (NM_015046.5); short protein forms N2311del.
Identifiers: ClinVar variation 2500123 (VCV002500123.1), dbSNP rs2538870793, ClinGen allele CA2580079865.

ClinVar aggregate classification (germline): Uncertain significance (1 of 4 stars; one submission).

Conditions:
Spinocerebellar ataxia, autosomal recessive, with axonal neuropathy 2 (SCAN2). Also called: Ataxia with Oculomotor Apraxia; Ataxia with Oculomotor Apraxia Type 2; ATAXIA-OCULOMOTOR APRAXIA 2; Ataxia-ocular apraxia-2. Identifiers: Orphanet 64753, MedGen C1853761, MONDO:0018996, OMIM 606002.

Submission:

Pangenia Genomics, Pangenia Inc.
Classification: Uncertain significance for Spinocerebellar ataxia, autosomal recessive, with axonal neuropathy 2. Last evaluated: 2022-11-17. Review status: criteria provided, single submitter. Criteria: ACMG Guidelines, 2015. Collection method: research. Allele origin: maternal. Inheritance: Autosomal recessive inheritance. Affected: yes.
Comment: This variant is not found in the gnomAD v2.1.1 dataset with good coverage of the locus. This variant is detected in trans with a likely-pathogenic variant [SETX, c.2332C>T (p.Arg778Ter)]. This variant results in an in-frame deletion of amino acid asparagine at position 2311 of protein SETX, not in a repeat region. This deletion is in the putative helicase region.